The following is an entry in ClinVar:

NM_033305.3(VPS13A):c.9068del (p.Gly3023fs)

Gene: VPS13A (vacuolar protein sorting 13 homolog A; plus strand). Cytogenetic location: 9q21.2.
Variant type: Deletion.
Coding change: c.9068del on transcript NM_033305.3 (MANE Select); coding-DNA position 9068, one base deleted (G; older notation c.9068delG).
Protein change: p.Gly3023fs; shifts the reading frame from glycine 3023.
Molecular consequence: frameshift variant.
Genome position (GRCh38, 1-based): chr9:77,371,140, G deleted; the last of 3 consecutive G bases (chr9:77,371,138-77,371,140); deleting any one gives the same sequence. VCF-style (leftmost placement, unchanged base first): chr9-77371137-AG-A. GRCh37 (hg19) VCF-style: chr9-79986053-AG-A.
Other names: c.8951del, p.Gly2984fs (NM_001018037.2); c.9068del, p.Gly3023fs (NM_001018038.3, NM_015186.4); c.9068delG (NM_033305.2); short protein forms G2984fs, G3023fs.
Identifiers: ClinVar variation 856594 (VCV000856594.12), dbSNP rs1480778616, ClinGen allele CA867059662.

ClinVar aggregate classification (germline): Pathogenic/Likely pathogenic. Review status: criteria provided, multiple submitters, no conflicts (2 of 4 stars). 4 submissions from 4 submitters: Pathogenic (1); Likely pathogenic (3). Last evaluated 2025-03-11.

Conditions:
VPS13A-related neurodegenerative disease. Also called: Choreoacanthocytosis; Chorea-acanthocytosis; ACANTHOCYTOSIS WITH NEUROLOGIC DISORDER; LEVINE-CRITCHLEY SYNDROME; VPS13A Disease; Choreaacanthocytosis. Identifiers: Orphanet 2388, MedGen C0393576, MONDO:0008695, OMIM 200150.

Submissions (4):

Natera, Inc.
Classification: Likely pathogenic for Choreaacanthocytosis. Last evaluated: 2025-03-11. Review status: criteria provided, single submitter. Criteria: Natera Variant Classification Schema (03/2026). Collection method: clinical testing. Allele origin: germline.
Comment: The c.9068delG variant in VPS13A is a frameshift variant predicted to shift the reading frame beginning at codon 3023 and leads to a stop codon 2 codons downstream. This variant is expected to result in nonsense mediated decay, truncation, or a dysfunctional protein product. This variant is rare in the general population with a frequency below the threshold expected for the associated phenotype(s). Given the available evidence, this variant is classified as Likely Pathogenic.

Fulgent Genetics
Classification: Likely pathogenic for VPS13A-related neurodegenerative disease. Last evaluated: 2024-06-06. Review status: criteria provided, single submitter. Criteria: ACMG Guidelines, 2015. Collection method: clinical testing. Allele origin: germline.

Genetic Services Laboratory, University of Chicago
Classification: Likely pathogenic. Last evaluated: 2023-09-11. Review status: criteria provided, single submitter. Criteria: ACMG Guidelines, 2015. Collection method: clinical testing. Allele origin: germline. Affected: yes.
Comment: DNA sequence analysis of the VPS13A gene demonstrated a one base pair deletion in exon 67, c.9068del. This likely pathogenic sequence change results in an amino acid frameshift and creates a premature stop codon 2 amino acids downstream of the change, p.Gly3023Glufs*2. This likely pathogenic sequence change is predicted to result in an abnormal transcript, which may be degraded, or may lead to the production of a truncated VPS13A protein with potentially abnormal function. The c.9068del sequence change has not been described in population databases such as ExAC and gnomAD. While this deletion/duplication has not previously been described in the literature, other in-frame deletions/duplications in the VPS13A gene have been described in several individuals with VPS13A-related choreoacanthocytosis [PMID: 12404112, 21598378, 22038564, 11381253]. This sequence change is a possible cause of this individual's phenotype, however functional studies have not been performed to prove this conclusively.

Labcorp Genetics (formerly Invitae), Labcorp
Classification: Pathogenic. Last evaluated: 2023-03-27. Review status: criteria provided, single submitter. Criteria: Invitae Variant Classification Sherloc (09022015). Collection method: clinical testing. Allele origin: germline.
Comment: For these reasons, this variant has been classified as Pathogenic. ClinVar contains an entry for this variant (Variation ID: 856594). This variant has not been reported in the literature in individuals affected with VPS13A-related conditions. This variant is not present in population databases (gnomAD no frequency). This sequence change creates a premature translational stop signal (p.Gly3023Glufs*2) in the VPS13A gene. It is expected to result in an absent or disrupted protein product. Loss-of-function variants in VPS13A are known to be pathogenic (PMID: 12404112, 21598378).

Literature cited by the submitters: PubMed 12404112 (cited by Labcorp Genetics (formerly Invitae), Labcorp); PubMed 21598378 (cited by Labcorp Genetics (formerly Invitae), Labcorp).